The following is an entry in ClinVar:

NM_001042492.3(NF1):c.2712T>C (p.Cys904=)

Gene: NF1 (neurofibromin 1; plus strand). Cytogenetic location: 17q11.2.
Variant type: single nucleotide variant.
Coding change: c.2712T>C on transcript NM_001042492.3 (MANE Select); coding-DNA position 2712, T replaced by C.
Protein change: p.Cys904=; no amino-acid change (cysteine 904 retained).
Molecular consequence: synonymous variant.
Genome position (GRCh38, 1-based): chr17:31,229,327, T>C. VCF-style: chr17-31229327-T-C. GRCh37 (hg19) VCF-style: chr17-29556345-T-C.
Other names: c.2712T>C, p.Cys904= (NM_000267.4).
Identifiers: ClinVar variation 187315 (VCV000187315.16), dbSNP rs372963561, ClinGen allele CA197331.

ClinVar aggregate classification (germline): Benign/Likely benign. Review status: criteria provided, multiple submitters, no conflicts (2 of 4 stars). 6 submissions from 6 submitters: Benign (1); Likely benign (5). Last evaluated 2026-05-18.

Conditions:
NF1-related disorder. Also called: NF1-related condition. Identifiers: MedGen CN379171.
Hereditary cancer-predisposing syndrome. Also called: Neoplastic Syndromes, Hereditary; Tumor predisposition; Hereditary neoplastic syndrome; Hereditary Cancer Syndrome. Identifiers: Orphanet 140162, MedGen C0027672, MeSH D009386, MONDO:0015356.
Neurofibromatosis, type 1 (NF1). Also called: VON RECKLINGHAUSEN DISEASE; Peripheral type neurofibromatosis; Neurofibromatosis, type I; NEUROFIBROMATOSIS, TYPE I, SOMATIC. Identifiers: Orphanet 636, MedGen C0027831, MONDO:0018975, OMIM 162200. Disease mechanism: loss of function.

Allele frequency attached by ClinVar (database versions not stated): gnomAD 0.00001; gnomAD exomes 0.00001; ExAC 0.00002; ESP Exome Variant Server 0.00015; 1000 Genomes Project 30x 0.00016; 1000 Genomes Project 0.00020.
gnomAD v4.1: 1 of 1,613,958 alleles (0.000062%); highest among the groups gnomAD compares: African/African-American, 0.0013%; no homozygotes.

Submissions (6):

Myriad Genetics, Inc.
Classification: Benign for Neurofibromatosis, type 1. Last evaluated: 2026-05-18. Review status: criteria provided, single submitter. Criteria: Myriad Autosomal Dominant, Autosomal Recessive and X-Linked Classification Criteria (2023). Collection method: clinical testing. Allele origin: unknown.
Comment: This variant is considered benign. This variant is a silent/synonymous amino acid change and it is not expected to impact splicing.

Labcorp Genetics (formerly Invitae), Labcorp
Classification: Likely benign for Neurofibromatosis, type 1. Last evaluated: 2026-01-20. Review status: criteria provided, single submitter. Criteria: Invitae Variant Classification Sherloc (09022015). Collection method: clinical testing. Allele origin: germline.

PreventionGenetics, part of Exact Sciences
Classification: Likely benign for NF1-related condition. Last evaluated: 2024-10-23. Review status: criteria provided, single submitter. Criteria: ACMG Guidelines, 2015. Collection method: clinical testing. Allele origin: germline.
Comment: This variant is classified as likely benign based on ACMG/AMP sequence variant interpretation guidelines (Richards et al. 2015 PMID: 25741868, with internal and published modifications).

Genome-Nilou Lab
Classification: Likely benign for Neurofibromatosis, type 1. Last evaluated: 2022-03-15. Review status: criteria provided, single submitter. Criteria: ACMG Guidelines, 2015. Collection method: clinical testing. Allele origin: germline. Affected: no.

Blueprint Genetics
Classification: Likely benign. Last evaluated: 2020-08-28. Review status: criteria provided, single submitter. Criteria: ACMG Guidelines, 2015. Collection method: clinical testing. Allele origin: germline.

Ambry Genetics
Classification: Likely benign for Hereditary cancer-predisposing syndrome. Last evaluated: 2014-12-03. Review status: criteria provided, single submitter. Criteria: Ambry Autosomal Dominant and X-Linked criteria (10/2015). Collection method: clinical testing. Allele origin: germline. Observed: 1 variant allele.